The following is an entry in ClinVar:

ClinVar aggregate classification (germline): Uncertain significance (1 of 4 stars; one submission).

Conditions:
POLD1-related polyposis and colorectal cancer syndrome (CRCS10). Also called: Colorectal cancer 10; COLORECTAL CANCER, SUSCEPTIBILITY TO, ON CHROMOSOME 19q; Colorectal cancer, susceptibility to, 10. Identifiers: Orphanet 220460, MedGen C2675481, MONDO:0012953, OMIM 612591.

Submission:

Labcorp Genetics (formerly Invitae), Labcorp
Classification: Uncertain significance for POLD1-related polyposis and colorectal cancer syndrome. Last evaluated: 2023-04-30. Review status: criteria provided, single submitter. Criteria: Invitae Variant Classification Sherloc (09022015). Collection method: clinical testing. Allele origin: germline.
Comment: This variant, c.2707_2715del, results in the deletion of 3 amino acid(s) of the POLD1 protein (p.Leu903_Glu905del), but otherwise preserves the integrity of the reading frame. In summary, the available evidence is currently insufficient to determine the role of this variant in disease. Therefore, it has been classified as a Variant of Uncertain Significance. Algorithms developed to predict the effect of sequence changes on RNA splicing suggest that this variant may create or strengthen a splice site. This variant has not been reported in the literature in individuals affected with POLD1-related conditions. This variant is not present in population databases (gnomAD no frequency).

NM_002691.4(POLD1):c.2707_2715del (p.Leu903_Glu905del)

Gene: POLD1 (DNA polymerase delta 1, catalytic subunit; plus strand). Cytogenetic location: 19q13.33.
Variant type: Deletion.
Coding change: c.2707_2715del on transcript NM_002691.4 (MANE Select); coding-DNA positions 2707 to 2715, 9 bases deleted (CTGGCCGAG; older notation c.2707_2715delCTGGCCGAG).
Protein change: p.Leu903_Glu905del.
Molecular consequence: inframe deletion. On other transcripts: non-coding transcript variant (1).
Genome position (GRCh38, 1-based): chr19:50,415,580-50,415,588, CTGGCCGAG deleted; deleting any 9 consecutive bases within chr19:50,415,577-50,415,588 gives the same sequence; the c. name uses the placement nearest the transcript's 3' end. VCF-style (leftmost placement, unchanged base first): chr19-50415576-GGAGCTGGCC-G. GRCh37 (hg19) VCF-style: chr19-50918833-GGAGCTGGCC-G.
Other names: c.2707_2715del, p.Leu903_Glu905del (NM_001256849.1); c.2785_2793del, p.Leu929_Glu931del (NM_001308632.1).
Identifiers: ClinVar variation 2860688 (VCV002860688.3), dbSNP rs2514054660, ClinGen allele CA2739276979.